The following is an entry in ClinVar:

NM_000537.4(REN):c.728T>G (p.Val243Gly)

Gene: REN (renin; minus strand). Cytogenetic location: 1q32.1.
Variant type: single nucleotide variant.
Coding change: c.728T>G on transcript NM_000537.4 (MANE Select); coding-DNA position 728, T replaced by G.
Protein change: p.Val243Gly; replaces valine 243 with glycine.
Molecular consequence: missense variant.
Genome position (GRCh38, 1-based): chr1:204,156,767, A>C on the plus strand (T>G on the coding strand, the complement: REN is on the minus strand). VCF-style: chr1-204156767-A-C. GRCh37 (hg19) VCF-style: chr1-204125895-A-C.
Other names: short protein forms V243G.
Identifiers: ClinVar variation 4526537 (VCV004526537.1).

ClinVar aggregate classification (germline): Uncertain significance (1 of 4 stars; one submission).

Conditions:
Familial juvenile hyperuricemic nephropathy type 2 (ADTKD4). Also called: EARLY-ONSET HYPERURICEMIA, ANEMIA, AND PROGRESSIVE KIDNEY FAILURE; Autosomal Dominant Tubulointerstitial Kidney Disease – REN. Identifiers: Orphanet 217330, MedGen C2751310, MONDO:0013128, OMIM 613092.

Submission:

MVZ Medizinische Genetik Mainz
Classification: Uncertain significance for Familial juvenile hyperuricemic nephropathy type 2. Last evaluated: 2025-04-04. Review status: criteria provided, single submitter. Criteria: UK Practice Guidelines For Variant Classification V4 01 2020. Collection method: clinical testing. Allele origin: germline. Inheritance: Autosomal dominant inheritance. Affected: yes. Observed: 1 variant allele.
Comment: ACMG Criteria: PM2_SUP,PP4